The following is an entry in ClinVar:

ClinVar aggregate classification (germline): Pathogenic (1 of 4 stars; one submission).

Conditions:
Fanconi anemia (FA). Also called: Fanconi's anemia. Identifiers: Orphanet 84, MedGen C0015625, MeSH D005199, MONDO:0019391.

Submission:

Labcorp Genetics (formerly Invitae), Labcorp
Classification: Pathogenic for Fanconi anemia. Last evaluated: 2024-12-09. Review status: criteria provided, single submitter. Criteria: Invitae Variant Classification Sherloc (09022015). Collection method: clinical testing. Allele origin: germline.
Comment: This sequence change creates a premature translational stop signal (p.Ile1897*) in the FANCM gene. It is expected to result in an absent or disrupted protein product. Loss-of-function variants in FANCM are known to be pathogenic (PMID: 29895858, 30075111). This variant is not present in population databases (gnomAD no frequency). This variant has not been reported in the literature in individuals affected with FANCM-related conditions. For these reasons, this variant has been classified as Pathogenic.

Literature cited by the submitters: PubMed 29895858; PubMed 30075111.

NM_020937.4(FANCM):c.5687_5688dup (p.Ile1897Ter)

Gene: FANCM (FA complementation group M; plus strand). Cytogenetic location: 14q21.2.
Variant type: Microsatellite.
Coding change: c.5687_5688dup on transcript NM_020937.4 (MANE Select); coding-DNA positions 5687 to 5688, 2 bases duplicated (TG; older notation c.5687_5688dupTG).
Protein change: p.Ile1897Ter; replaces isoleucine 1897 with a stop codon.
Molecular consequence: nonsense.
Genome position (GRCh38, 1-based): chr14:45,196,518-45,196,519, TG duplicated; duplicating any 2 consecutive bases within chr14:45,196,514-45,196,519 gives the same sequence; the c. name uses the placement nearest the transcript's 3' end. VCF-style (leftmost placement, unchanged base first): chr14-45196513-A-ATG. GRCh37 (hg19) VCF-style: chr14-45665716-A-ATG.
Other names: c.5609_5610dup, p.Ile1871Ter (NM_001308133.2); short protein forms I1871*, I1897*.
Identifiers: ClinVar variation 2694238 (VCV002694238.3), dbSNP rs2503271370, ClinGen allele CA2697553903.